The following is an entry in ClinVar:

NM_001165963.4(SCN1A):c.4002+2590T>C

Genes: SCN1A (sodium voltage-gated channel alpha subunit 1; minus strand), LOC102724058 (uncharacterized LOC102724058; plus strand). Cytogenetic location: 2q24.3.
Variant type: single nucleotide variant.
Coding change: c.4002+2590T>C on transcript NM_001165963.4 (MANE Select); 2590 bases into the intron after coding-DNA position 4002, T replaced by C.
Molecular consequence: intron variant.
Genome position (GRCh38, 1-based): chr2:166,007,129, A>G on the plus strand (T>C on the coding strand, the complement: SCN1A is on the minus strand). VCF-style: chr2-166007129-A-G. GRCh37 (hg19) VCF-style: chr2-166863639-A-G.
Other names: c.3969+2590T>C (NM_001353949.2, NM_001353950.2, NM_001353951.2 and 2 more transcripts); c.3918+2590T>C (NM_001353958.2, NM_001353957.2, NM_001165964.3); c.4002+2590T>C (NM_001202435.3, NM_001353948.2); c.3966+2590T>C (NM_001353955.2, NM_001353954.2); c.3915+2590T>C (NM_001353960.2); c.1560+2590T>C (NM_001353961.2).
Identifiers: ClinVar variation 1470253 (VCV001470253.7), dbSNP rs1574027484, ClinGen allele CA1304846219.
Genomic context (GRCh38, chr2:166,007,129, plus strand): 5'-CAAATGAAATTTAAGACAATTGAAAAGAGGGGATTAGGATGTAAATAATGTATTTTCCCT[A>G]CTGTGGTGCAATAATAGTACCCTTCCCAATCCCTCCCTCACCCCACTACACATAAGTCAC-3'

ClinVar aggregate classification (germline): Uncertain significance (1 of 4 stars; one submission).

Conditions:
Early-infantile DEE. Also called: Ohtahara syndrome; Early infantile epileptic encephalopathy with suppression bursts; Early infantile epileptic encephalopathy. Identifiers: Orphanet 1934, MedGen C0393706, MONDO:0800491.

Allele frequency attached by ClinVar (database versions not stated): TOPMed below 0.00001.

Submission:

Labcorp Genetics (formerly Invitae), Labcorp
Classification: Uncertain significance for Early-infantile DEE. Last evaluated: 2025-12-05. Review status: criteria provided, single submitter. Criteria: Invitae Variant Classification Sherloc (09022015). Collection method: clinical testing. Allele origin: germline.
Comment: This sequence change falls in intron 20 of the SCN1A gene. It does not directly change the encoded amino acid sequence of the SCN1A protein. However, this sequence change falls within a region encompassing a cryptic exon in the SCN1A gene, in which variants have been shown to alter splicing (PMID: 30526861, 34107977). This variant is not present in population databases (gnomAD no frequency). This variant has been observed in individuals with clinical features of developmental and epileptic encephalopathy (internal data). ClinVar contains an entry for this variant (Variation ID: 1470253). Algorithms developed to predict the effect of sequence changes on RNA splicing suggest that this variant is not likely to affect RNA splicing. In summary, the available evidence is currently insufficient to determine the role of this variant in disease. Therefore, it has been classified as a Variant of Uncertain Significance.

Literature cited by the submitters: PubMed 30526861; PubMed 34107977.